The following is an entry in ClinVar:

ClinVar aggregate classification (germline): Uncertain significance. Review status: criteria provided, multiple submitters, no conflicts (2 of 4 stars). 8 submissions from 6 submitters: Uncertain significance (7). 1 of the submissions does not count toward it. Last evaluated 2025-10-17.

Conditions:
Retinal dystrophy. Also called: Inherited retinal dystrophy. Identifiers: Orphanet 71862, MedGen C0854723, MeSH D058499, MONDO:0019118, HP:0000556.
Retinitis pigmentosa (RP). Identifiers: Orphanet 791, MedGen C0035334, MeSH D012174, MONDO:0019200, OMIM 268000. Inheritance: Autosomal dominant, autosomal recessive and X linked inheritance.
Retinitis pigmentosa 35 (RP35). Identifiers: Orphanet 791, MedGen C1853214, MONDO:0012463, OMIM 610282.
Cone-rod dystrophy 10 (CORD10). Identifiers: Orphanet 1872, MedGen C1846529, MONDO:0012464, OMIM 610283.

Allele frequency attached by ClinVar (database versions not stated): gnomAD 0.00001; TOPMed 0.00002; gnomAD exomes 0.00003 and 0.00009; ExAC 0.00016.
gnomAD v4.1: 45 of 1,614,100 alleles (0.0028%); highest among the groups gnomAD compares: Admixed American, 0.005%; no homozygotes.

Submissions (8):

Ambry Genetics
Classification: Uncertain significance. Last evaluated: 2025-10-17. Review status: criteria provided, single submitter. Criteria: Ambry Variant Classification Scheme 2023. Collection method: clinical testing. Allele origin: germline.

Genome-Nilou Lab
Classification: Uncertain significance for Cone-rod dystrophy 10. Last evaluated: 2023-04-11. Review status: criteria provided, single submitter. Criteria: ACMG Guidelines, 2015. Collection method: clinical testing. Allele origin: germline. Affected: no.

Genome-Nilou Lab
Classification: Uncertain significance for Retinitis pigmentosa 35. Last evaluated: 2023-04-11. Review status: criteria provided, single submitter. Criteria: ACMG Guidelines, 2015. Collection method: clinical testing. Allele origin: germline. Affected: no.

Blueprint Genetics
Classification: Uncertain significance. Last evaluated: 2022-03-08. Review status: criteria provided, single submitter. Criteria: ACMG Guidelines, 2015. Collection method: clinical testing. Allele origin: germline.

Labcorp Genetics (formerly Invitae), Labcorp
Classification: Uncertain significance. Last evaluated: 2021-11-02. Review status: criteria provided, single submitter. Criteria: Invitae Variant Classification Sherloc (09022015). Collection method: clinical testing. Allele origin: germline.
Comment: Algorithms developed to predict the effect of missense changes on protein structure and function output the following: SIFT: "Deleterious"; PolyPhen-2: "Benign"; Align-GVGD: "Class C0". The tryptophan amino acid residue is found in multiple mammalian species, which suggests that this missense change does not adversely affect protein function. In summary, the available evidence is currently insufficient to determine the role of this variant in disease. Therefore, it has been classified as a Variant of Uncertain Significance. This sequence change replaces arginine, which is basic and polar, with tryptophan, which is neutral and slightly polar, at codon 711 of the SEMA4A protein (p.Arg711Trp). This variant is present in population databases (rs762468169, gnomAD 0.02%). This variant has not been reported in the literature in individuals affected with SEMA4A-related conditions. ClinVar contains an entry for this variant (Variation ID: 873620).

Illumina Laboratory Services, Illumina
Classification: Uncertain significance for Cone-rod dystrophy 10. Last evaluated: 2018-01-13. Review status: criteria provided, single submitter. Criteria: ICSL Variant Classification Criteria 13 December 2019. Collection method: clinical testing. Allele origin: germline.

Illumina Laboratory Services, Illumina
Classification: Uncertain significance for Retinitis pigmentosa. Last evaluated: 2018-01-13. Review status: criteria provided, single submitter. Criteria: ICSL Variant Classification Criteria 13 December 2019. Collection method: clinical testing. Allele origin: germline.

Institute of Human Genetics, Univ. Regensburg, Univ. Regensburg
Classification: Uncertain significance for Retinal dystrophy. Last evaluated: 2020-01-01. Review status: no assertion criteria provided. Criteria: ACMG Guidelines, 2015. Collection method: clinical testing. Allele origin: germline. Affected: yes. Not counted in ClinVar's aggregate classification.

NM_022367.4(SEMA4A):c.2131C>T (p.Arg711Trp)

Gene: SEMA4A (semaphorin 4A; plus strand). Cytogenetic location: 1q22.
Variant type: single nucleotide variant.
Coding change: c.2131C>T on transcript NM_022367.4 (MANE Select); coding-DNA position 2131, C replaced by T.
Protein change: p.Arg711Trp; replaces arginine 711 with tryptophan.
Molecular consequence: missense variant.
Genome position (GRCh38, 1-based): chr1:156,176,842, C>T. VCF-style: chr1-156176842-C-T. GRCh37 (hg19) VCF-style: chr1-156146633-C-T.
Other names: c.2131C>T, p.Arg711Trp (NM_001193300.2, NM_001193301.2, NM_001370567.1); c.1735C>T, p.Arg579Trp (NM_001193302.2); c.1834C>T, p.Arg612Trp (NM_001370568.1); c.1624C>T, p.Arg542Trp (NM_001370569.1, NM_001370571.1); short protein forms R579W, R542W, R711W, R612W.
Identifiers: ClinVar variation 873620 (VCV000873620.13), dbSNP rs762468169, ClinGen allele CA1155529.